The following is an entry in ClinVar:

NM_001267550.2(TTN):c.104857G>A (p.Val34953Ile)

Genes: TTN (titin; minus strand), TTN-AS1 (TTN antisense RNA 1; plus strand). Cytogenetic location: 2q31.2.
Variant type: single nucleotide variant.
Coding change: c.104857G>A on transcript NM_001267550.2 (MANE Select); coding-DNA position 104857, G replaced by A.
Protein change: p.Val34953Ile; replaces valine 34953 with isoleucine.
Molecular consequence: missense variant.
Genome position (GRCh38, 1-based): chr2:178,531,758, C>T on the plus strand (G>A on the coding strand, the complement: TTN is on the minus strand). VCF-style: chr2-178531758-C-T. GRCh37 (hg19) VCF-style: chr2-179396485-C-T.
Other names: c.99934G>A, p.Val33312Ile (NM_001256850.1); c.77662G>A, p.Val25888Ile (NM_003319.4); c.97153G>A, p.Val32385Ile (NM_133378.4); c.78037G>A, p.Val26013Ile (NM_133432.3); c.78238G>A, p.Val26080Ile (NM_133437.4); short protein forms V26080I, V33312I, V26013I, V32385I, V25888I, V34953I.
Identifiers: ClinVar variation 948914 (VCV000948914.12), dbSNP rs776593972, ClinGen allele CA1985345.
Genomic context (GRCh38, chr2:178,531,758, plus strand): 5'-CCTCGGCAGTTGGCTTAGACTGAACATTTAAAATAAAACGTGTATTTTGGCCACATGGTA[C>T]CCTGTGCGAGCGCATTCTCAGTGTGATTCGAGGGGCATGGTCCAGTGTGAAAGGCTGCTG-3'
Protein context (NP_001254479.2, residues 34943-34963): RITLRMRSHR[Val34953Ile]PCGQNTRFIL

ClinVar aggregate classification (germline): Conflicting classifications of pathogenicity. Review status: criteria provided, conflicting classifications (1 of 4 stars). 2 submissions from 2 submitters: Uncertain significance (1); Likely benign (1). Last evaluated 2026-01-14.

Conditions:
Autosomal recessive limb-girdle muscular dystrophy type 2J (LGMDR10). Also called: Limb-girdle muscular dystrophy, type 2J; MUSCULAR DYSTROPHY, LIMB-GIRDLE, AUTOSOMAL RECESSIVE 10. Identifiers: Orphanet 140922, MedGen C1837342, MONDO:0012127, OMIM 608807.
Dilated cardiomyopathy 1G (CMD1G). Identifiers: Orphanet 154, MedGen C1858763, MONDO:0011400, OMIM 604145.

Allele frequency attached by ClinVar (database versions not stated): TOPMed 0.00002.
gnomAD v4.1: 12 of 1,613,944 alleles (0.00074%); highest among the groups gnomAD compares: Admixed American, 0.018%; no homozygotes.

Submissions (2):

Labcorp Genetics (formerly Invitae), Labcorp
Classification: Uncertain significance for Dilated cardiomyopathy 1G; Autosomal recessive limb-girdle muscular dystrophy type 2J. Last evaluated: 2026-01-14. Review status: criteria provided, single submitter. Criteria: Invitae Variant Classification Sherloc (09022015). Collection method: clinical testing. Allele origin: germline.
Comment: This sequence change replaces valine, which is neutral and non-polar, with isoleucine, which is neutral and non-polar, at codon 34953 of the TTN protein (p.Val34953Ile). This variant is present in population databases (rs776593972, gnomAD 0.03%). This missense change has been observed in individual(s) with clinical features of TTN-related conditions (internal data). ClinVar contains an entry for this variant (Variation ID: 948914). Experimental studies and prediction algorithms are not available or were not evaluated, and the functional significance of this variant is currently unknown. This variant is located in the M band of TTN (PMID: 25589632). Non-truncating variants in this region may be relevant for neuromuscular disorders, but have not been definitively shown to cause cardiomyopathy (PMID: 23975875). In summary, the available evidence is currently insufficient to determine the role of this variant in disease. Therefore, it has been classified as a Variant of Uncertain Significance.

GeneDx
Classification: Likely benign. Last evaluated: 2019-10-14. Review status: criteria provided, single submitter. Criteria: GeneDx Variant Classification Process June 2021. Collection method: clinical testing. Allele origin: germline. Affected: yes.

Literature cited by the submitters: PubMed 25589632 (cited by Labcorp Genetics (formerly Invitae), Labcorp); PubMed 23975875 (cited by Labcorp Genetics (formerly Invitae), Labcorp).